The following is an entry in ClinVar:

NM_001927.4(DES):c.1265_1268delinsTTGAT (p.Thr422fs)

Gene: DES (desmin; plus strand). Cytogenetic location: 2q35.
Variant type: Indel.
Coding change: c.1265_1268delinsTTGAT on transcript NM_001927.4 (MANE Select); coding-DNA positions 1265 to 1268, CCTA replaced by TTGAT.
Protein change: p.Thr422fs; shifts the reading frame from threonine 422.
Molecular consequence: frameshift variant.
Genome position (GRCh38, 1-based): chr2:219,423,797-219,423,800, CCTA replaced by TTGAT. VCF-style: chr2-219423797-CCTA-TTGAT. GRCh37 (hg19) VCF-style: chr2-220288519-CCTA-TTGAT.
Other names: c.1262_1265delinsTTGAT, p.Thr421fs (NM_001382708.1); c.833_836delinsTTGAT, p.Thr278fs (NM_001382709.1); c.1196_1199delinsTTGAT, p.Thr399fs (NM_001382710.1); c.1244_1247delinsTTGAT, p.Thr415fs (NM_001382711.1); c.1265_1268delinsTTGAT, p.Thr422fs (NM_001382712.1); c.995_998delinsTTGAT, p.Thr332fs (NM_001382713.1); c.1265_1268delCCTAinsTTGAT, p.Thr422Ilefs (NM_001927.3); short protein forms T278fs, T332fs, T399fs, T415fs, T421fs, T422fs.
Identifiers: ClinVar variation 4820512 (VCV004820512.1).
Genomic context (GRCh38, chr2:219,423,797, plus strand): 5'-GGTTCTTAACTCTTAGGAGGTTTTGTCTCTTCCCTTTTAGGATCAATCTCCCCATCCAGA[CCTA>TTGAT]CTCTGCCCTCAACTTCCGAGGTGAGTGTCTGCTGGCAGGCGGAGGCTGGAGTTGCAGGGG-3'

ClinVar aggregate classification (germline): Likely pathogenic (1 of 4 stars; one submission).

Conditions:
Cardiovascular phenotype. Identifiers: MedGen CN230736.

Submission:

Molecular Diagnostic Laboratory for Inherited Cardiovascular Disease, Montreal Heart Institute
Classification: Likely pathogenic for Cardiovascular phenotype. Last evaluated: 2026-02-09. Review status: criteria provided, single submitter. Criteria: ACMG Guidelines, 2015. Collection method: clinical testing. Allele origin: germline. Affected: yes.
Comment: PVS1, PM2